The following is an entry in ClinVar:

ClinVar aggregate classification (germline): Uncertain significance. Review status: criteria provided, multiple submitters, no conflicts (2 of 4 stars). 3 submissions from 3 submitters: Uncertain significance (3). Last evaluated 2025-12-26.

Conditions:
Autosomal dominant spastic paraplegia type 9. Identifiers: MedGen C1832669, MONDO:0015091.
de Barsy syndrome. Also called: Cutis laxa-corneal clouding-oligophrenia syndrome. Identifiers: Orphanet 2962, MedGen C0268354, MONDO:0017569.
Cutis laxa, autosomal dominant 3 (ADCL3). Identifiers: Orphanet 90348, MedGen C4225268, MONDO:0014706, OMIM 616603.

Allele frequency attached by ClinVar (database versions not stated): gnomAD 0.00003; TOPMed 0.00004; gnomAD exomes 0.00007 and 0.00008; ESP Exome Variant Server 0.00008; ExAC 0.00014; 1000 Genomes Project 30x 0.00016; 1000 Genomes Project 0.00020.
gnomAD v4.1: 123 of 1,614,080 alleles (0.0076%); highest among the groups gnomAD compares: Middle Eastern, 0.033%; no homozygotes.

Submissions (3):

Labcorp Genetics (formerly Invitae), Labcorp
Classification: Uncertain significance for Autosomal dominant spastic paraplegia type 9; de Barsy syndrome; Cutis laxa, autosomal dominant 3. Last evaluated: 2025-12-26. Review status: criteria provided, single submitter. Criteria: Invitae Variant Classification Sherloc (09022015). Collection method: clinical testing. Allele origin: germline.
Comment: This sequence change replaces arginine, which is basic and polar, with cysteine, which is neutral and slightly polar, at codon 726 of the ALDH18A1 protein (p.Arg726Cys). This variant is present in population databases (rs202169492, gnomAD 0.01%). This missense change has been observed in individual(s) with congenital malformations (PMID: 33144682). ClinVar contains an entry for this variant (Variation ID: 1056056). Invitae Evidence Modeling of protein sequence and biophysical properties (such as structural, functional, and spatial information, amino acid conservation, physicochemical variation, residue mobility, and thermodynamic stability) indicates that this missense variant is expected to disrupt ALDH18A1 protein function with a positive predictive value of 95%. In summary, the available evidence is currently insufficient to determine the role of this variant in disease. Therefore, it has been classified as a Variant of Uncertain Significance.

GeneDx
Classification: Uncertain significance. Last evaluated: 2024-01-17. Review status: criteria provided, single submitter. Criteria: GeneDx Variant Classification Process June 2021. Collection method: clinical testing. Allele origin: germline.
Comment: Observed with a nonsense variant on the opposite allele (in trans) in a patient with gait disorder and spasticity who was referred for genetic testing at GeneDx (PMID: 33144682); In silico analysis supports that this missense variant has a deleterious effect on protein structure/function; This variant is associated with the following publications: (PMID: 33144682)

Blueprint Genetics
Classification: Uncertain significance. Last evaluated: 2023-10-23. Review status: criteria provided, single submitter. Criteria: ACMG Guidelines, 2015. Collection method: clinical testing. Allele origin: germline.

Literature cited by the submitters: PubMed 33144682 (cited by Labcorp Genetics (formerly Invitae), Labcorp).

NM_002860.4(ALDH18A1):c.2176C>T (p.Arg726Cys)

Gene: ALDH18A1 (aldehyde dehydrogenase 18 family member A1; minus strand). Cytogenetic location: 10q24.1.
Variant type: single nucleotide variant.
Coding change: c.2176C>T on transcript NM_002860.4 (MANE Select); coding-DNA position 2176, C replaced by T.
Protein change: p.Arg726Cys; replaces arginine 726 with cysteine.
Molecular consequence: missense variant.
Genome position (GRCh38, 1-based): chr10:95,610,227, G>A on the plus strand (C>T on the coding strand, the complement: ALDH18A1 is on the minus strand). VCF-style: chr10-95610227-G-A. GRCh37 (hg19) VCF-style: chr10-97369984-G-A.
Other names: c.2176C>T (NM_002860.3); c.2170C>T, p.Arg724Cys (NM_001017423.2, NM_001323415.2); c.1843C>T, p.Arg615Cys (NM_001323412.2, NM_001323416.2); c.2176C>T, p.Arg726Cys (NM_001323413.2, NM_001323414.2); c.2071C>T, p.Arg691Cys (NM_001323417.2); c.1837C>T, p.Arg613Cys (NM_001323418.2); c.1540C>T, p.Arg514Cys (NM_001323419.2); short protein forms R514C, R613C, R615C, R691C, R724C, R726C.
Identifiers: ClinVar variation 1056056 (VCV001056056.9), dbSNP rs202169492, ClinGen allele CA5620122.